The following is an entry in ClinVar:

NM_016252.4(BIRC6):c.5194G>A (p.Val1732Ile)

Gene: BIRC6 (baculoviral IAP repeat containing 6; plus strand). Cytogenetic location: 2p22.3.
Variant type: single nucleotide variant.
Coding change: c.5194G>A on transcript NM_016252.4 (MANE Select); coding-DNA position 5194, G replaced by A.
Protein change: p.Val1732Ile; replaces valine 1732 with isoleucine.
Molecular consequence: missense variant.
Genome position (GRCh38, 1-based): chr2:32,464,761, G>A. VCF-style: chr2-32464761-G-A. GRCh37 (hg19) VCF-style: chr2-32689829-G-A.
Other names: c.5164G>A, p.Val1722Ile (NM_001378125.1); short protein forms V1732I, V1722I.
Identifiers: ClinVar variation 788639 (VCV000788639.7), dbSNP rs61757640, ClinGen allele CA1603547.

ClinVar aggregate classification (germline): Benign. Review status: criteria provided, multiple submitters, no conflicts (2 of 4 stars). 3 submissions from 3 submitters: Benign (2). 1 of the submissions does not count toward it. Last evaluated 2019-12-31.

Conditions:
BIRC6-related disorder. Also called: BIRC6-related condition.

Allele frequency attached by ClinVar (database versions not stated): 1000 Genomes Project 30x 0.00390; 1000 Genomes Project 0.00419; TOPMed 0.00565; ExAC 0.00714; gnomAD exomes 0.00737 and 0.00968; gnomAD 0.00753 and 0.00772; ESP Exome Variant Server 0.00769.

Submissions (3):

Labcorp Genetics (formerly Invitae), Labcorp
Classification: Benign. Last evaluated: 2019-12-31. Review status: criteria provided, single submitter. Criteria: Invitae Variant Classification Sherloc (09022015). Collection method: clinical testing. Allele origin: germline.

Breakthrough Genomics
Classification: Benign. Review status: criteria provided, single submitter. Criteria: ACMG Guidelines, 2015. Collection method: not provided. Allele origin: germline. Inheritance: Unknown mechanism. Affected: yes.

PreventionGenetics, part of Exact Sciences
Classification: Benign for BIRC6-related condition. Last evaluated: 2019-05-24. Review status: no assertion criteria provided. Collection method: clinical testing. Allele origin: germline. Not counted in ClinVar's aggregate classification.
Comment: This variant is classified as benign based on ACMG/AMP sequence variant interpretation guidelines (Richards et al. 2015 PMID: 25741868, with internal and published modifications).